The following is an entry in ClinVar:

ClinVar aggregate classification (germline): Uncertain significance (1 of 4 stars; one submission).

Conditions:
Inborn genetic diseases. Identifiers: MedGen C0950123, MeSH D030342.

Submission:

Ambry Genetics
Classification: Uncertain significance for Inborn genetic diseases. Last evaluated: 2025-05-16. Review status: criteria provided, single submitter. Criteria: Ambry Variant Classification Scheme 2023. Collection method: clinical testing. Allele origin: germline.
Comment: The p.Y355H variant (also known as c.1063T>C), located in coding exon 5 of the PIK3CA gene, results from a T to C substitution at nucleotide position 1063. The tyrosine at codon 355 is replaced by histidine, an amino acid with similar properties. This amino acid position is conserved. In addition, this alteration is predicted to be deleterious by in silico analysis. Based on the available evidence, the clinical significance of this variant remains unclear.

NM_006218.4(PIK3CA):c.1063T>C (p.Tyr355His)

Gene: PIK3CA (phosphatidylinositol-4,5-bisphosphate 3-kinase catalytic subunit alpha; plus strand). Cytogenetic location: 3q26.32.
Variant type: single nucleotide variant.
Coding change: c.1063T>C on transcript NM_006218.4 (MANE Select); coding-DNA position 1063, T replaced by C.
Protein change: p.Tyr355His; replaces tyrosine 355 with histidine.
Molecular consequence: missense variant.
Genome position (GRCh38, 1-based): chr3:179,204,506, T>C. VCF-style: chr3-179204506-T-C. GRCh37 (hg19) VCF-style: chr3-178922294-T-C.
Other names: short protein forms Y355H.
Identifiers: ClinVar variation 3932376 (VCV003932376.1).
Genomic context (GRCh38, chr3:179,204,506, plus strand): 5'-TGTGCATATGTGTATGTTGAGTGTATACATTAGTATATACCTACTTTTTTCTTTTAGATC[T>C]ATGTTCGAACAGGTATCTACCATGGAGGAGAACCCTTATGTGACAATGTGAACACTCAAA-3'
Protein context (NP_006209.2, residues 345-365): NVNIRDIDKI[Tyr355His]VRTGIYHGGE